The following is an entry in ClinVar:

NM_001353450.2(DCAF8L2):c.581A>G (p.His194Arg)

Gene: DCAF8L2 (DDB1 and CUL4 associated factor 8 like 2; plus strand). Cytogenetic location: Xp21.3.
Variant type: single nucleotide variant.
Coding change: c.581A>G on transcript NM_001353450.2 (MANE Select); coding-DNA position 581, A replaced by G.
Protein change: p.His194Arg; replaces histidine 194 with arginine.
Molecular consequence: missense variant.
Genome position (GRCh38, 1-based): chrX:27,747,476, A>G. VCF-style: chrX-27747476-A-G. GRCh37 (hg19) VCF-style: chrX-27765593-A-G.
Other names: c.581A>G, p.His194Arg (NM_001353448.2, NM_001353449.2); short protein forms H194R.
Identifiers: ClinVar variation 2660215 (VCV002660215.24), dbSNP rs780740566, ClinGen allele CA10374780.

ClinVar aggregate classification (germline): Likely benign (1 of 4 stars; one submission).

Allele frequency attached by ClinVar (database versions not stated): gnomAD 0.00004; gnomAD exomes 0.00005; TOPMed 0.00008; ExAC 0.00017.
gnomAD v4.1: 55 of 1,173,857 alleles (0.0047%); highest among the groups gnomAD compares: South Asian, 0.072%; no homozygotes.

Submission:

CeGaT Center for Human Genetics Tuebingen
Classification: Likely benign. Last evaluated: 2023-03-01. Review status: criteria provided, single submitter. Criteria: CeGaT Center For Human Genetics Tuebingen Variant Classification Criteria Version 2. Collection method: clinical testing. Allele origin: germline. Affected: yes. Observed: 1 variant allele.
Comment: DCAF8L2: BP4, BS2